The following is an entry in ClinVar:

NM_000326.5(RLBP1):c.525G>C (p.Glu175Asp)

Gene: RLBP1 (retinaldehyde binding protein 1; minus strand). Cytogenetic location: 15q26.1.
Variant type: single nucleotide variant.
Coding change: c.525G>C on transcript NM_000326.5 (MANE Select); coding-DNA position 525, G replaced by C.
Protein change: p.Glu175Asp; replaces glutamic acid 175 with aspartic acid.
Molecular consequence: missense variant.
Genome position (GRCh38, 1-based): chr15:89,215,060, C>G on the plus strand (G>C on the coding strand, the complement: RLBP1 is on the minus strand). VCF-style: chr15-89215060-C-G. GRCh37 (hg19) VCF-style: chr15-89758291-C-G.
Other names: short protein forms E175D.
Identifiers: ClinVar variation 1677094 (VCV001677094.2), dbSNP rs753278812, ClinGen allele CA393729482.

ClinVar aggregate classification (germline): Conflicting classifications of pathogenicity. Review status: criteria provided, conflicting classifications (1 of 4 stars). 2 submissions from 2 submitters: Likely pathogenic (1); Uncertain significance (1). Last evaluated 2022-03-13.

Conditions:
Pigmentary retinal dystrophy. Also called: Fundus albipunctatus. Identifiers: Orphanet 227796, Orphanet 52427, MedGen C0311338, MONDO:0007639, OMIM 136880, HP:0030642.

Submissions (2):

Women's Health and Genetics/Laboratory Corporation of America, LabCorp
Classification: Uncertain significance. Last evaluated: 2022-03-13. Review status: criteria provided, single submitter. Criteria: LabCorp Variant Classification Summary - May 2015. Collection method: clinical testing. Allele origin: germline.
Comment: Variant summary: RLBP1 c.525G>C (p.Glu175Asp) results in a conservative amino acid change in the encoded protein sequence. Four of five in-silico tools predict a benign effect of the variant on protein function. As the variant alters the last conserved coding nucleotide of exon 6 adjacent to the canonical intronic splice donor site (exonic splice region), several computational tools predict a significant impact on normal splicing: Four predict the variant weakens the canonical 5' splice donor site. However, these predictions have yet to be confirmed by functional studies. The variant was absent in 251476 control chromosomes. The available data on variant occurrences in the general population are insufficient to allow any conclusion about variant significance. c.525G>C has been reported in the literature among variants that were classified as VUS by ACMG but re-classified as pathogenic during initial diagnosis of cases due to presence in homozygosity in the setting of clinical exome-sequencing tests for Inherited Retinal Dystrophies (IRD) (example, Florin Iancu_2021). These report(s) do not provide unequivocal conclusions about association of the variant with Retinitis Pigmentosa. To our knowledge, no experimental evidence demonstrating an impact on protein function has been reported. No clinical diagnostic laboratories have submitted clinical-significance assessments for this variant to ClinVar after 2014. Based on the evidence outlined above, the variant was classified as uncertain significance.

Clinical Genetics Service, Universitary Hospital 12 de Octubre
Classification: Likely pathogenic for Pigmentary retinal dystrophy. Review status: criteria provided, single submitter. Criteria: ACMG Guidelines, 2015. Collection method: clinical testing. Allele origin: germline. Affected: yes.

Literature cited by the submitters: PubMed 33623043 (cited by Women's Health and Genetics/Laboratory Corporation of America, LabCorp).